The following is an entry in ClinVar:

ClinVar aggregate classification (germline): Likely pathogenic (1 of 4 stars; one submission).

Conditions:
Developmental delay with or without intellectual impairment or behavioral abnormalities. Identifiers: MedGen C5562004, MONDO:0859199, OMIM 619575.

Submission:

3billion
Classification: Likely pathogenic for Developmental delay with or without intellectual impairment or behavioral abnormalities. Last evaluated: 2023-06-08. Review status: criteria provided, single submitter. Criteria: ACMG Guidelines, 2015. Collection method: clinical testing. Allele origin: germline. Affected: yes.
Comment: The variant is not observed in the gnomAD v2.1.1 dataset. Predicted Consequence/Location: Stop-gained (nonsense): predicted to result in a loss or disruption of normal protein function through nonsense-mediated decay (NMD) or protein truncation. Multiple pathogenic variants are reported downstream of the variant. Therefore, this variant is classified as Likely pathogenic according to the recommendation of ACMG/AMP guideline.

NM_020791.4(TAOK1):c.2155G>T (p.Glu719Ter)

Gene: TAOK1 (TAO kinase 1; plus strand). Cytogenetic location: 17q11.2.
Variant type: single nucleotide variant.
Coding change: c.2155G>T on transcript NM_020791.4 (MANE Select); coding-DNA position 2155, G replaced by T.
Protein change: p.Glu719Ter; replaces glutamic acid 719 with a stop codon.
Molecular consequence: nonsense.
Genome position (GRCh38, 1-based): chr17:29,530,413, G>T. VCF-style: chr17-29530413-G-T. GRCh37 (hg19) VCF-style: chr17-27857431-G-T.
Other names: c.1711G>T, p.Glu571Ter (NM_025142.1); short protein forms E571*, E719*.
Identifiers: ClinVar variation 3775642 (VCV003775642.1).